The following is an entry in ClinVar:

NM_001379081.2(FREM1):c.246C>T (p.Cys82=)

Gene: FREM1 (FRAS1 related extracellular matrix 1; minus strand). Cytogenetic location: 9p22.3.
Variant type: single nucleotide variant.
Coding change: c.246C>T on transcript NM_001379081.2 (MANE Select); coding-DNA position 246, C replaced by T.
Protein change: p.Cys82=; no amino-acid change (cysteine 82 retained).
Molecular consequence: synonymous variant. On other transcripts: non-coding transcript variant (4).
Genome position (GRCh38, 1-based): chr9:14,863,892, G>A on the plus strand (C>T on the coding strand, the complement: FREM1 is on the minus strand). VCF-style: chr9-14863892-G-A. GRCh37 (hg19) VCF-style: chr9-14863890-G-A.
Other names: c.246C>T, p.Cys82= (NM_001370060.1, NM_001370063.1, NM_001370065.1 and 1 more transcripts).
Identifiers: ClinVar variation 720123 (VCV000720123.8), dbSNP rs766485109, ClinGen allele CA4991637.

ClinVar aggregate classification (germline): Conflicting classifications of pathogenicity. Review status: criteria provided, conflicting classifications (1 of 4 stars). 4 submissions from 4 submitters: Uncertain significance (1); Likely benign (3). Last evaluated 2024-06-11.

Conditions:
Oculotrichoanal syndrome (MOTA). Also called: Manitoba Oculotrichoanal (MOTA) Syndrome; MARLES SYNDROME. Identifiers: Orphanet 2717, MedGen C1855425, MONDO:0009560, OMIM 248450.
BNAR syndrome. Also called: Bifid Nose With or Without Anorectal and Renal Anomalies (BNAR) Syndrome. Identifiers: Orphanet 217266, MedGen C2750433, MONDO:0012165, OMIM 608980.
Trigonocephaly 2 (TRIGNO2). Identifiers: Orphanet 3366, MedGen C3280974, MONDO:0013774, OMIM 614485.

Allele frequency attached by ClinVar (database versions not stated): TOPMed below 0.00001; gnomAD 0.00001; ExAC 0.00003; gnomAD exomes 0.00003.
gnomAD v4.1: 12 of 1,604,942 alleles (0.00075%); highest among the groups gnomAD compares: Admixed American, 0.015%; no homozygotes.

Submissions (4):

Labcorp Genetics (formerly Invitae), Labcorp
Classification: Likely benign. Last evaluated: 2024-06-11. Review status: criteria provided, single submitter. Criteria: Invitae Variant Classification Sherloc (09022015). Collection method: clinical testing. Allele origin: germline.

GeneDx
Classification: Uncertain significance. Last evaluated: 2024-05-04. Review status: criteria provided, single submitter. Criteria: GeneDx Variant Classification Process June 2021. Collection method: clinical testing. Allele origin: germline. Affected: yes.
Comment: Has not been previously published as pathogenic or benign to our knowledge; In silico analysis is inconclusive as to whether the variant alters gene splicing. In the absence of RNA/functional studies, the actual effect of this sequence change is unknown.

Fulgent Genetics
Classification: Likely benign for Oculotrichoanal syndrome; BNAR syndrome; Trigonocephaly 2. Last evaluated: 2021-12-29. Review status: criteria provided, single submitter. Criteria: ACMG Guidelines, 2015. Collection method: clinical testing. Allele origin: unknown.

Blueprint Genetics
Classification: Likely benign. Last evaluated: 2020-09-16. Review status: criteria provided, single submitter. Criteria: ACMG Guidelines, 2015. Collection method: clinical testing. Allele origin: germline.